The following is an entry in ClinVar:

ClinVar aggregate classification (germline): Likely benign. Review status: criteria provided, multiple submitters, no conflicts (2 of 4 stars). 3 submissions from 3 submitters: Likely benign (3). Last evaluated 2025-11-11.

Conditions:
PEX6-related disorder. Also called: PEX6-related disorders; PEX6-related condition.
Peroxisome biogenesis disorder. Identifiers: Orphanet 79189, MedGen C1832200, MONDO:0019234. Disease mechanism: loss of function.

Allele frequency attached by ClinVar (database versions not stated): gnomAD exomes 0.00003 and 0.00002; ExAC 0.00002.
gnomAD v4.1: 44 of 1,614,160 alleles (0.0027%); highest among the groups gnomAD compares: Non-Finnish European, 0.0037%; no homozygotes.

Submissions (3):

PreventionGenetics, part of Exact Sciences
Classification: Likely benign for PEX6-related condition. Last evaluated: 2025-11-11. Review status: criteria provided, single submitter. Criteria: ACMG Guidelines, 2015. Collection method: clinical testing. Allele origin: germline.
Comment: This variant is classified as likely benign based on ACMG/AMP sequence variant interpretation guidelines (Richards et al. 2015 PMID: 25741868, with internal and published modifications).

Labcorp Genetics (formerly Invitae), Labcorp
Classification: Likely benign for Peroxisome biogenesis disorder. Last evaluated: 2025-07-21. Review status: criteria provided, single submitter. Criteria: Invitae Variant Classification Sherloc (09022015). Collection method: clinical testing. Allele origin: germline.

Blueprint Genetics
Classification: Likely benign. Last evaluated: 2023-01-03. Review status: criteria provided, single submitter. Criteria: ACMG Guidelines, 2015. Collection method: clinical testing. Allele origin: germline.

NM_000287.4(PEX6):c.2310G>A (p.Gly770=)

Gene: PEX6 (peroxisomal biogenesis factor 6; minus strand). Cytogenetic location: 6p21.1.
Variant type: single nucleotide variant.
Coding change: c.2310G>A on transcript NM_000287.4 (MANE Select); coding-DNA position 2310, G replaced by A.
Protein change: p.Gly770=; no amino-acid change (glycine 770 retained).
Molecular consequence: synonymous variant.
Genome position (GRCh38, 1-based): chr6:42,966,096, C>T on the plus strand (G>A on the coding strand, the complement: PEX6 is on the minus strand). VCF-style: chr6-42966096-C-T. GRCh37 (hg19) VCF-style: chr6-42933834-C-T.
Other names: c.2046G>A, p.Gly682= (NM_001316313.2).
Identifiers: ClinVar variation 795987 (VCV000795987.10), dbSNP rs775473162, ClinGen allele CA3811068.